The following is an entry in ClinVar:

ClinVar aggregate classification (germline): Uncertain significance (1 of 4 stars; one submission).

Conditions:
Charcot-Marie-Tooth disease axonal type 2P. Also called: CHARCOT-MARIE-TOOTH NEUROPATHY, TYPE 2P; Charcot-Marie-Tooth Neuropathy Type 2G; CHARCOT-MARIE-TOOTH DISEASE, AXONAL, TYPE 2G; CMT 2G. Identifiers: Orphanet 300319, Orphanet 99941, MedGen C3280797, MONDO:0013753, OMIM 614436.

Submission:

Labcorp Genetics (formerly Invitae), Labcorp
Classification: Uncertain significance for Charcot-Marie-Tooth disease axonal type 2P. Last evaluated: 2018-07-05. Review status: criteria provided, single submitter. Criteria: Invitae Variant Classification Sherloc (09022015). Collection method: clinical testing. Allele origin: germline.
Comment: In summary, the available evidence is currently insufficient to determine the role of this variant in disease. Therefore, it has been classified as a Variant of Uncertain Significance. Algorithms developed to predict the effect of missense changes on protein structure and function (SIFT, PolyPhen-2, Align-GVGD) all suggest that this variant is likely to be disruptive, but these predictions have not been confirmed by published functional studies and their clinical significance is uncertain. This variant has not been reported in the literature in individuals with LRSAM1-related disease. This variant is not present in population databases (ExAC no frequency). This sequence change replaces isoleucine with threonine at codon 364 of the LRSAM1 protein (p.Ile364Thr). The isoleucine residue is highly conserved and there is a moderate physicochemical difference between isoleucine and threonine.

NM_001005373.4(LRSAM1):c.1091T>C (p.Ile364Thr)

Gene: LRSAM1 (leucine rich repeat and sterile alpha motif containing 1; plus strand). Cytogenetic location: 9q33.3.
Variant type: single nucleotide variant.
Coding change: c.1091T>C on transcript NM_001005373.4 (MANE Select); coding-DNA position 1091, T replaced by C.
Protein change: p.Ile364Thr; replaces isoleucine 364 with threonine.
Molecular consequence: missense variant. On other transcripts: non-coding transcript variant (2).
Genome position (GRCh38, 1-based): chr9:127,482,952, T>C. VCF-style: chr9-127482952-T-C. GRCh37 (hg19) VCF-style: chr9-130245231-T-C.
Other names: c.1091T>C, p.Ile364Thr (NM_001005374.4, NM_001190723.3, NM_001384142.1 and 2 more transcripts); c.302T>C, p.Ile101Thr (NM_001384144.1); short protein forms I364T, I101T.
Identifiers: ClinVar variation 656921 (VCV000656921.8), dbSNP rs1588123900, ClinGen allele CA374931976.